The following is an entry in ClinVar:

ClinVar aggregate classification (germline): Benign (1 of 4 stars; one submission).

Allele frequency attached by ClinVar (database versions not stated): ESP Exome Variant Server 0.46138; gnomAD 0.48135; TOPMed 0.48193; ExAC 0.49070; 1000 Genomes Project 30x 0.54544; 1000 Genomes Project 0.55152.
gnomAD v4.1: 690,004 of 1,550,930 alleles (44%); highest among the groups gnomAD compares: East Asian, 77%; 157,433 homozygotes.

Submission:

Unidad de Genómica Garrahan, Hospital de Pediatría Garrahan
Classification: Benign. Last evaluated: 2023-11-12. Review status: criteria provided, single submitter. Criteria: ACMG Guidelines, 2015. Collection method: clinical testing. Allele origin: germline. Affected: no. Observed: 57 variant alleles.
Comment: This variant is classified as Benign based on local population frequency. This variant was detected in 59% of patients studied by a panel of primary immunodeficiencies. Number of patients: 57. Only high quality variants are reported.

NM_000234.3(LIG1):c.2386-36T>C

Gene: LIG1 (DNA ligase 1; minus strand). Cytogenetic location: 19q13.33.
Variant type: single nucleotide variant.
Coding change: c.2386-36T>C on transcript NM_000234.3 (MANE Select); 36 bases into the intron before coding-DNA position 2386, T replaced by C.
Molecular consequence: intron variant.
Genome position (GRCh38, 1-based): chr19:48,119,226, A>G on the plus strand (T>C on the coding strand, the complement: LIG1 is on the minus strand). VCF-style: chr19-48119226-A-G. GRCh37 (hg19) VCF-style: chr19-48622483-A-G.
Other names: c.2293-36T>C (NM_001289063.2); c.2296-36T>C (NM_001320971.2); c.2182-36T>C (NM_001289064.2); c.2383-36T>C (NM_001320970.2).
Identifiers: ClinVar variation 2628143 (VCV002628143.2), dbSNP rs156647, ClinGen allele CA9546429.